The following is an entry in ClinVar:

ClinVar aggregate classification (germline): Uncertain significance. Review status: criteria provided, multiple submitters, no conflicts (2 of 4 stars). 3 submissions from 3 submitters: Uncertain significance (3). Last evaluated 2022-12-17.

Conditions:
Early-onset progressive encephalopathy-hearing loss-pons hypoplasia-brain atrophy syndrome. Also called: ENCEPHALOPATHY, PROGRESSIVE, EARLY-ONSET, WITH BRAIN ATROPHY AND SPASTICITY. Identifiers: Orphanet 500144, MedGen C5567229, MONDO:0044696, OMIM 617669.

Allele frequency attached by ClinVar (database versions not stated): gnomAD 0.00001; gnomAD exomes 0.00001 and 0.00002; TOPMed 0.00001; ExAC 0.00002.
gnomAD v4.1: 22 of 1,609,356 alleles (0.0014%); highest among the groups gnomAD compares: South Asian, 0.0077%; no homozygotes.

Submissions (3):

Dubai Health Genomic Medicine Center, Dubai Health
Classification: Uncertain significance. Last evaluated: 2022-12-17. Review status: criteria provided, single submitter. Criteria: ACMG Guidelines, 2015. Collection method: clinical testing. Allele origin: germline. Affected: yes.

Provincial Medical Genetics Program of British Columbia, University of British Columbia
Classification: Uncertain significance for Early-onset progressive encephalopathy-hearing loss-pons hypoplasia-brain atrophy syndrome. Last evaluated: 2022-01-01. Review status: criteria provided, single submitter. Criteria: ACMG Guidelines, 2015. Collection method: clinical testing. Allele origin: maternal. Affected: yes.

Neuberg Centre For Genomic Medicine, NCGM
Classification: Uncertain significance for Early-onset progressive encephalopathy-hearing loss-pons hypoplasia-brain atrophy syndrome. Review status: criteria provided, single submitter. Criteria: ACMG Guidelines, 2015. Collection method: clinical testing. Allele origin: germline. Affected: yes.
Comment: The splice region variant c.1603+5G>C in TRAPPC12 (NM_016030.6) has not been reported previously as a pathogenic variant nor as a benign variant, to our knowledge. The c.1603+5G>C variant is observed in 5 alleles in heterozygous state (0.002%) in gnomAD Exomes and is novel (not in any individuals) in 1000 Genomes. The c.1603+5G>C variant is not predicted to disrupt splicing by 3 of 4 splice site algorithms. Another splice site variant c.1677+5G>A in compound heterozygous state with a termination variant has been reported in a fetus with hydrocephalus (Gass JM et al,2020). The splice variant was predicted to be tolerated by splicing predictions but RT-PCR detected exon skipping. For these reasons, this variant has been classified as Uncertain Significance.

NM_016030.6(TRAPPC12):c.1603+5G>C

Gene: TRAPPC12 (trafficking protein particle complex subunit 12; plus strand). Cytogenetic location: 2p25.3.
Variant type: single nucleotide variant.
Coding change: c.1603+5G>C on transcript NM_016030.6 (MANE Select); 5 bases into the intron after coding-DNA position 1603, G replaced by C.
Molecular consequence: intron variant.
Genome position (GRCh38, 1-based): chr2:3,457,698, G>C. VCF-style: chr2-3457698-G-C. GRCh37 (hg19) VCF-style: chr2-3461469-G-C.
Other names: c.1603+5G>C (NM_001321102.2).
Identifiers: ClinVar variation 1339142 (VCV001339142.4), dbSNP rs747491323, ClinGen allele CA1515515.